The following is an entry in ClinVar:

NM_001009944.3(PKD1):c.12557_12558del (p.His4186fs)

Gene: PKD1 (polycystin 1, transient receptor potential channel interacting; minus strand). Cytogenetic location: 16p13.3.
Variant type: Deletion.
Coding change: c.12557_12558del on transcript NM_001009944.3 (MANE Select); coding-DNA positions 12557 to 12558, 2 bases deleted (AC; older notation c.12557_12558delAC).
Protein change: p.His4186fs; shifts the reading frame from histidine 4186.
Molecular consequence: frameshift variant.
Genome position (GRCh38, 1-based): chr16:2,090,081-2,090,082, GT deleted on the plus strand (AC on the coding strand, the reverse complement: PKD1 is on the minus strand); deleting any 2 consecutive bases within chr16:2,090,081-2,090,083 gives the same sequence; the c. name uses the placement nearest the transcript's 3' end. VCF-style (leftmost placement, unchanged base first): chr16-2090080-GGT-G. GRCh37 (hg19) VCF-style: chr16-2140081-GGT-G.
Other names: c.12554_12555del, p.His4185fs (NM_000296.4); c.12557_12558delAC (NM_001009944.2); short protein forms H4185fs, H4186fs.
Identifiers: ClinVar variation 3350100 (VCV003350100.1).

ClinVar aggregate classification (germline): Pathogenic (0 of 4 stars; one submission).

Conditions:
PKD1-related disorder. Also called: PKD1-related condition.

Submission:

PreventionGenetics, part of Exact Sciences
Classification: Pathogenic for PKD1-related condition. Last evaluated: 2024-03-27. Review status: no assertion criteria provided. Collection method: clinical testing. Allele origin: germline.
Comment: The PKD1 c.12557_12558delAC variant is predicted to result in a frameshift and premature protein termination (p.His4186Profs*23). To our knowledge, this variant has not been reported in the literature or in a large population database, indicating this variant is rare. Frameshift variants in PKD1 are expected to be pathogenic. This variant is interpreted as pathogenic.